The following is an entry in ClinVar:

NM_015488.5(PNKD):c.237-16519dup

Gene: PNKD (PNKD metallo-beta-lactamase domain containing; plus strand). Cytogenetic location: 2q35.
Variant type: Duplication.
Coding change: c.237-16519dup on transcript NM_015488.5 (MANE Select); 16519 bases into the intron before coding-DNA position 237, one base duplicated (C; older notation c.237-16519dupC).
Molecular consequence: intron variant.
Genome position (GRCh38, 1-based): chr2:218,323,264, C duplicated; the last of 5 consecutive C bases (chr2:218,323,260-218,323,264); duplicating any one gives the same sequence. VCF-style (leftmost placement, unchanged base first): chr2-218323259-G-GC. GRCh37 (hg19) VCF-style: chr2-219187982-G-GC.
Other names: c.-4dup (NM_022572.5).
Identifiers: ClinVar variation 3061387 (VCV003061387.2), dbSNP rs2469429328, ClinGen allele CA2663102530.

ClinVar aggregate classification (germline): Likely benign (0 of 4 stars; one submission).

Conditions:
PNKD-related disorder. Also called: PNKD-related condition.

Submission:

PreventionGenetics, part of Exact Sciences
Classification: Likely benign for PNKD-related condition. Last evaluated: 2024-02-19. Review status: no assertion criteria provided. Collection method: clinical testing. Allele origin: germline.
Comment: This variant is classified as likely benign based on ACMG/AMP sequence variant interpretation guidelines (Richards et al. 2015 PMID: 25741868, with internal and published modifications).